The following is an entry in ClinVar:

NM_024408.4(NOTCH2):c.5842del (p.Pro1947_Leu1948insTer)

Gene: NOTCH2 (notch receptor 2; minus strand). Cytogenetic location: 1p12.
Variant type: Deletion.
Coding change: c.5842del on transcript NM_024408.4 (MANE Select); coding-DNA position 5842, one base deleted (C; older notation c.5842delC).
Protein change: p.Pro1947_Leu1948insTer.
Molecular consequence: nonsense.
Genome position (GRCh38, 1-based): chr1:119,918,493, G deleted on the plus strand (C on the coding strand, the reverse complement: NOTCH2 is on the minus strand); the first of 4 consecutive G bases (chr1:119,918,493-119,918,496); deleting any one gives the same sequence. VCF-style (leftmost placement, unchanged base first): chr1-119918492-AG-A. GRCh37 (hg19) VCF-style: chr1-120461115-AG-A.
Identifiers: ClinVar variation 3635019 (VCV003635019.2).

ClinVar aggregate classification (germline): Pathogenic (1 of 4 stars; one submission).

Conditions:
Hajdu-Cheney syndrome (HJCYS). Also called: Acroosteolysis dominant type; ACROOSTEOLYSIS WITH OSTEOPOROSIS AND CHANGES IN SKULL AND MANDIBLE; SERPENTINE FIBULA-POLYCYSTIC KIDNEY SYNDROME. Identifiers: Orphanet 955, MedGen C0917715, MONDO:0007057, OMIM 102500.

Submission:

Labcorp Genetics (formerly Invitae), Labcorp
Classification: Pathogenic for Hajdu-Cheney syndrome. Last evaluated: 2024-01-26. Review status: criteria provided, single submitter. Criteria: Invitae Variant Classification Sherloc (09022015). Collection method: clinical testing. Allele origin: germline.
Comment: This sequence change creates a premature translational stop signal (p.Leu1948*) in the NOTCH2 gene. It is expected to result in an absent or disrupted protein product. Loss-of-function variants in NOTCH2 are known to be pathogenic (PMID: 16773578, 22209762). This variant is not present in population databases (gnomAD no frequency). This variant has not been reported in the literature in individuals affected with NOTCH2-related conditions. For these reasons, this variant has been classified as Pathogenic.

Literature cited by the submitters: PubMed 16773578; PubMed 22209762.